The following is an entry in ClinVar:

ClinVar aggregate classification (germline): Benign/Likely benign. Review status: criteria provided, multiple submitters, no conflicts (2 of 4 stars). 4 submissions from 4 submitters: Benign (2); Likely benign (2). Last evaluated 2026-01-11.

Conditions:
Hereditary cancer-predisposing syndrome. Also called: Tumor predisposition; Neoplastic Syndromes, Hereditary; Hereditary Cancer Syndrome; Hereditary neoplastic syndrome. Identifiers: Orphanet 140162, MedGen C0027672, MeSH D009386, MONDO:0015356.
Birt-Hogg-Dube syndrome 1 (BHD1). Also called: FIBROFOLLICULOMAS WITH TRICHODISCOMAS AND ACROCHORDONS. Identifiers: Orphanet 122, MedGen CN375946, MONDO:0800445, OMIM 135150.
Birt-Hogg-Dube syndrome. Also called: Birt Hogg Dubé syndrome. Identifiers: Orphanet 122, MedGen C0346010, MONDO:0800444.

Allele frequency attached by ClinVar (database versions not stated): gnomAD 0.00001 and 0.00002; ExAC 0.00002; TOPMed 0.00002; 1000 Genomes Project 30x 0.00016; 1000 Genomes Project 0.00020.
gnomAD v4.1: 33 of 1,614,248 alleles (0.002%); highest among the groups gnomAD compares: Admixed American, 0.012%; no homozygotes.

Submissions (4):

Labcorp Genetics (formerly Invitae), Labcorp
Classification: Likely benign for Birt-Hogg-Dube syndrome. Last evaluated: 2026-01-11. Review status: criteria provided, single submitter. Criteria: Invitae Variant Classification Sherloc (09022015). Collection method: clinical testing. Allele origin: germline.

Quest Diagnostics Nichols Institute San Juan Capistrano
Classification: Benign. Last evaluated: 2024-12-02. Review status: criteria provided, single submitter. Criteria: Quest Diagnostics criteria. Collection method: clinical testing. Allele origin: unknown.

Myriad Genetics, Inc.
Classification: Benign for Birt-Hogg-Dube syndrome 1. Last evaluated: 2024-10-28. Review status: criteria provided, single submitter. Criteria: Myriad Autosomal Dominant, Autosomal Recessive and X-Linked Classification Criteria (2023). Collection method: clinical testing. Allele origin: unknown.
Comment: This variant is considered benign. This variant is a silent/synonymous amino acid change and it is not expected to impact splicing.

Ambry Genetics
Classification: Likely benign for Hereditary cancer-predisposing syndrome. Last evaluated: 2015-01-23. Review status: criteria provided, single submitter. Criteria: Ambry Variant Classification Scheme 2023. Collection method: clinical testing. Allele origin: germline.

NM_144997.7(FLCN):c.1623G>A (p.Ala541=)

Gene: FLCN (folliculin; minus strand). Cytogenetic location: 17p11.2.
Variant type: single nucleotide variant.
Coding change: c.1623G>A on transcript NM_144997.7 (MANE Select); coding-DNA position 1623, G replaced by A.
Protein change: p.Ala541=; no amino-acid change (alanine 541 retained).
Molecular consequence: synonymous variant.
Genome position (GRCh38, 1-based): chr17:17,213,772, C>T on the plus strand (G>A on the coding strand, the complement: FLCN is on the minus strand). VCF-style: chr17-17213772-C-T. GRCh37 (hg19) VCF-style: chr17-17117086-C-T.
Other names: c.1623G>A (LRG_325t1, NM_144997.6); c.1677G>A, p.Ala559= (NM_001353229.2); c.1623G>A, p.Ala541= (NM_001353230.2, NM_001353231.2).
Identifiers: ClinVar variation 415621 (VCV000415621.20), dbSNP rs185419942, ClinGen allele CA8415926.